The following is an entry in ClinVar:

NM_006277.3(ITSN2):c.588G>C (p.Met196Ile)

Gene: ITSN2 (intersectin 2; minus strand). Cytogenetic location: 2p23.3.
Variant type: single nucleotide variant.
Coding change: c.588G>C on transcript NM_006277.3 (MANE Select); coding-DNA position 588, G replaced by C.
Protein change: p.Met196Ile; replaces methionine 196 with isoleucine.
Molecular consequence: missense variant.
Genome position (GRCh38, 1-based): chr2:24,310,349, C>G on the plus strand (G>C on the coding strand, the complement: ITSN2 is on the minus strand). VCF-style: chr2-24310349-C-G. GRCh37 (hg19) VCF-style: chr2-24533218-C-G.
Other names: c.546G>C, p.Met182Ile (NM_001348181.2, NM_001348184.2); c.588G>C, p.Met196Ile (NM_001348182.2, NM_001348183.2, NM_001348185.2 and 3 more transcripts); short protein forms M182I, M196I.
Identifiers: ClinVar variation 4714067 (VCV004714067.1).
Genomic context (GRCh38, chr2:24,310,349, plus strand): 5'-AGATCCTAAATCAATCAGAGACTGCGCTTTCTGTATACTAGCACCTCCAAATCCTCCCAT[C>G]ATCAGACTATAAGATGACCCATGAGGCAATGCTAAAAAAGAAAAAGAAGGAAAAGTATGA-3'
Protein context (NP_006268.2, residues 186-206): TLPHGSSYSL[Met196Ile]MGGFGGASIQ

ClinVar aggregate classification (germline): Uncertain significance (1 of 4 stars; one submission).

Submission:

Labcorp Genetics (formerly Invitae), Labcorp
Classification: Uncertain significance. Last evaluated: 2025-02-27. Review status: criteria provided, single submitter. Criteria: Invitae Variant Classification Sherloc (09022015). Collection method: clinical testing. Allele origin: germline.
Comment: This sequence change replaces methionine, which is neutral and non-polar, with isoleucine, which is neutral and non-polar, at codon 196 of the ITSN2 protein (p.Met196Ile). This variant is not present in population databases (gnomAD no frequency). This variant has not been reported in the literature in individuals affected with ITSN2-related conditions. An algorithm developed to predict the effect of missense changes on protein structure and function (PolyPhen-2) suggests that this variant is likely to be disruptive. In summary, the available evidence is currently insufficient to determine the role of this variant in disease. Therefore, it has been classified as a Variant of Uncertain Significance.